The following is an entry in ClinVar:

ClinVar aggregate classification (germline): Uncertain significance (1 of 4 stars; one submission).

Submission:

Quest Diagnostics Nichols Institute San Juan Capistrano
Classification: Uncertain significance. Last evaluated: 2024-08-20. Review status: criteria provided, single submitter. Criteria: Quest Diagnostics criteria. Collection method: clinical testing. Allele origin: unknown.
Comment: The FANCA c.513G>T (p.Trp171Cys) variant has not been reported in individuals with FANCA-related conditions in the published literature. It also has not been reported in large, multi-ethnic general populations (Genome Aggregation Database). Analysis of this variant using bioinformatics tools for the prediction of the effect of amino acid changes on protein structure and function yielded conflicting predictions that this variant is benign or damaging. Based on the available information, we are unable to determine the clinical significance of this variant.

NM_000135.4(FANCA):c.513G>T (p.Trp171Cys)

Gene: FANCA (FA complementation group A; minus strand). Cytogenetic location: 16q24.3.
Variant type: single nucleotide variant.
Coding change: c.513G>T on transcript NM_000135.4 (MANE Select); coding-DNA position 513, G replaced by T.
Protein change: p.Trp171Cys; replaces tryptophan 171 with cysteine.
Molecular consequence: missense variant. On other transcripts: intron variant (1).
Genome position (GRCh38, 1-based): chr16:89,810,716, C>A on the plus strand (G>T on the coding strand, the complement: FANCA is on the minus strand). VCF-style: chr16-89810716-C-A. GRCh37 (hg19) VCF-style: chr16-89877124-C-A.
Other names: c.513G>T, p.Trp171Cys (NM_001018112.3, NM_001286167.3); c.426+213G>T (NM_001351830.2); short protein forms W171C.
Identifiers: ClinVar variation 3572406 (VCV003572406.1).